The following is an entry in ClinVar:

ClinVar aggregate classification (germline): Uncertain significance (1 of 4 stars; one submission).
ClinVar aggregate classification (somatic clinical impact): Tier I - Strong (1 of 4 stars; one submission).
ClinVar aggregate classification (oncogenicity): Oncogenic (1 of 4 stars; one submission).

Conditions:
Gastrointestinal stromal tumor. Also called: Gastrointestinal stroma tumor; Gastrointestinal stromal tumor, somatic. Identifiers: Orphanet 44890, MedGen C0238198, MeSH D046152, MONDO:0011719, OMIM 606764, HP:0100723.
Diffuse pediatric-type high-grade glioma, H3-wildtype and IDH-wildtype. Identifiers: MedGen C5669918, MONDO:0858939.
Neoplasm. Also called: tumor; Neoplasms; Neoplasm (disease). Identifiers: MedGen C0027651, MeSH D009369, MONDO:0005070, HP:0002664.

Submissions (3):

Center for Genomic Medicine, Rigshospitalet, Copenhagen University Hospital
Classification: Oncogenic for Neoplasm. Last evaluated: 2025-12-29. Review status: criteria provided, single submitter. Criteria: ClinGen/CGC/VICC Guidelines for Oncogenicity, 2022. Collection method: clinical testing. Allele origin: somatic. Affected: yes.

Institute for Genomic Medicine (IGM) Clinical Laboratory, Nationwide Children's Hospital
Classification: Tier I - Strong for Diffuse pediatric-type high-grade glioma, H3-wildtype and IDH-wildtype. Assertion type: diagnostic. Clinical significance: supports diagnosis. Last evaluated: 2023-07-03. Review status: criteria provided, single submitter. Criteria: AMP/ASCO/CAP Guidelines, 2017. Collection method: clinical testing. Allele origin: somatic. Affected: yes.
Comment: Variant has Tier I (strong) clinical significance as a diagnostic inclusion criterion in diffuse pediatric-type high-grade glioma, H3-wildtype and IDH-wildtype, based on the following evidence: 1) Documented in one or more cancer databases (e.g., St. Jude Pecan, COSMIC, CIViC, OncoKB). 2) Appears in one or more well-established professional guidelines (e.g., World Health Organization [WHO]; National Comprehensive Cancer Network [NCCN]) as providing diagnostic, prognostic, or therapeutic information. 3) Diagnostic for a specific tumor type/classification based on well-powered studies with expert-level consensus (Evidence Level B; PMIDs: 29763623, 24705250, 28966033, 24705251, 27582545).

Labcorp Genetics (formerly Invitae), Labcorp
Classification: Uncertain significance for Gastrointestinal stromal tumor. Last evaluated: 2021-12-30. Review status: criteria provided, single submitter. Criteria: Invitae Variant Classification Sherloc (09022015). Collection method: clinical testing. Allele origin: germline.
Comment: In summary, the available evidence is currently insufficient to determine the role of this variant in disease. Therefore, it has been classified as a Variant of Uncertain Significance. Experimental studies have shown that this missense change affects PDGFRA function (PMID: 30389923). Algorithms developed to predict the effect of missense changes on protein structure and function are either unavailable or do not agree on the potential impact of this missense change (SIFT: "Deleterious"; PolyPhen-2: "Probably Damaging"; Align-GVGD: "Class C15"). This variant has not been reported in the literature in individuals affected with PDGFRA-related conditions. This variant is not present in population databases (gnomAD no frequency). This sequence change replaces tyrosine, which is neutral and polar, with cysteine, which is neutral and slightly polar, at codon 288 of the PDGFRA protein (p.Tyr288Cys).

Literature cited by the submitters: PubMed 29533785 (cited by Center for Genomic Medicine, Rigshospitalet, Copenhagen University Hospital); PubMed 30389923 (cited by Center for Genomic Medicine, Rigshospitalet, Copenhagen University Hospital and Labcorp Genetics (formerly Invitae), Labcorp); PubMed 29763623 (cited by Institute for Genomic Medicine (IGM) Clinical Laboratory, Nationwide Children's Hospital); PubMed 24705250 (cited by Institute for Genomic Medicine (IGM) Clinical Laboratory, Nationwide Children's Hospital); PubMed 28966033 (cited by Institute for Genomic Medicine (IGM) Clinical Laboratory, Nationwide Children's Hospital); PubMed 24705251 (cited by Institute for Genomic Medicine (IGM) Clinical Laboratory, Nationwide Children's Hospital); PubMed 27582545 (cited by Institute for Genomic Medicine (IGM) Clinical Laboratory, Nationwide Children's Hospital).

NM_006206.6(PDGFRA):c.863A>G (p.Tyr288Cys)

Gene: PDGFRA (platelet derived growth factor receptor alpha; plus strand). Cytogenetic location: 4q12.
Variant type: single nucleotide variant.
Coding change: c.863A>G on transcript NM_006206.6 (MANE Select); coding-DNA position 863, A replaced by G.
Protein change: p.Tyr288Cys; replaces tyrosine 288 with cysteine.
Molecular consequence: missense variant.
Genome position (GRCh38, 1-based): chr4:54,267,392, A>G. VCF-style: chr4-54267392-A-G. GRCh37 (hg19) VCF-style: chr4-55133559-A-G.
Other names: c.863A>G, p.Tyr288Cys (NM_001347827.2, NM_001347829.2); c.938A>G, p.Tyr313Cys (NM_001347828.2); c.902A>G, p.Tyr301Cys (NM_001347830.2); short protein forms Y301C, Y288C, Y313C.
Identifiers: ClinVar variation 2066133 (VCV002066133.6), dbSNP rs2475453736, ClinGen allele CA356891271.